The following is an entry in ClinVar:

NM_020442.6(VARS2):c.2683C>T (p.Arg895Cys)

Gene: VARS2 (valyl-tRNA synthetase 2, mitochondrial; plus strand). Cytogenetic location: 6p21.33.
Variant type: single nucleotide variant.
Coding change: c.2683C>T on transcript NM_020442.6 (MANE Select); coding-DNA position 2683, C replaced by T.
Protein change: p.Arg895Cys; replaces arginine 895 with cysteine.
Molecular consequence: missense variant.
Genome position (GRCh38, 1-based): chr6:30,925,283, C>T. VCF-style: chr6-30925283-C-T. GRCh37 (hg19) VCF-style: chr6-30893060-C-T.
Other names: c.2263C>T, p.Arg755Cys (NM_001167733.3); c.2773C>T, p.Arg925Cys (NM_001167734.2); c.2773C>T (NM_001167734.1); short protein forms R895C, R755C, R925C.
Identifiers: ClinVar variation 1431055 (VCV001431055.9), dbSNP rs1258140939, ClinGen allele CA363177361.

ClinVar aggregate classification (germline): Uncertain significance. Review status: criteria provided, multiple submitters, no conflicts (2 of 4 stars). 2 submissions from 2 submitters: Uncertain significance (2). Last evaluated 2025-12-08.

Conditions:
Inborn genetic diseases. Identifiers: MedGen C0950123, MeSH D030342.

Allele frequency attached by ClinVar (database versions not stated): gnomAD 0.00001; gnomAD exomes 0.00001; TOPMed 0.00003.
gnomAD v4.1: 13 of 1,611,086 alleles (0.00081%); highest among the groups gnomAD compares: African/African-American, 0.004%; no homozygotes.

Submissions (2):

Labcorp Genetics (formerly Invitae), Labcorp
Classification: Uncertain significance. Last evaluated: 2025-12-08. Review status: criteria provided, single submitter. Criteria: Invitae Variant Classification Sherloc (09022015). Collection method: clinical testing. Allele origin: germline.
Comment: This sequence change replaces arginine, which is basic and polar, with cysteine, which is neutral and slightly polar, at codon 925 of the VARS2 protein (p.Arg925Cys). The frequency data for this variant in the population databases is considered unreliable, as metrics indicate poor data quality at this position in the gnomAD database. This variant has not been reported in the literature in individuals affected with VARS2-related conditions. ClinVar contains an entry for this variant (Variation ID: 1431055). Invitae Evidence Modeling of protein sequence and biophysical properties (such as structural, functional, and spatial information, amino acid conservation, physicochemical variation, residue mobility, and thermodynamic stability) indicates that this missense variant is not expected to disrupt VARS2 protein function with a negative predictive value of 80%. In summary, the available evidence is currently insufficient to determine the role of this variant in disease. Therefore, it has been classified as a Variant of Uncertain Significance.

Ambry Genetics
Classification: Uncertain significance for Inborn genetic diseases. Last evaluated: 2022-07-12. Review status: criteria provided, single submitter. Criteria: Ambry Variant Classification Scheme 2023. Collection method: clinical testing. Allele origin: germline.